The following is an entry in ClinVar:

NM_020365.5(EIF2B3):c.360G>C (p.Leu120=)

Gene: EIF2B3 (eukaryotic translation initiation factor 2B subunit gamma; minus strand). Cytogenetic location: 1p34.1.
Variant type: single nucleotide variant.
Coding change: c.360G>C on transcript NM_020365.5 (MANE Select); coding-DNA position 360, G replaced by C.
Protein change: p.Leu120=; no amino-acid change (leucine 120 retained).
Molecular consequence: synonymous variant.
Genome position (GRCh38, 1-based): chr1:44,941,600, C>G on the plus strand (G>C on the coding strand, the complement: EIF2B3 is on the minus strand). VCF-style: chr1-44941600-C-G. GRCh37 (hg19) VCF-style: chr1-45407272-C-G.
Other names: c.360G>C, p.Leu120= (NM_001166588.3, NM_001261418.2).
Identifiers: ClinVar variation 1537962 (VCV001537962.36), dbSNP rs371230685, ClinGen allele CA824046.

ClinVar aggregate classification (germline): Likely benign. Review status: criteria provided, multiple submitters, no conflicts (2 of 4 stars). 3 submissions from 3 submitters: Likely benign (3). Last evaluated 2026-01-19.

Allele frequency attached by ClinVar (database versions not stated): TOPMed 0.00009.
gnomAD v4.1: 211 of 1,614,000 alleles (0.013%); highest among the groups gnomAD compares: Non-Finnish European, 0.014%; no homozygotes.

Submissions (3):

Labcorp Genetics (formerly Invitae), Labcorp
Classification: Likely benign. Last evaluated: 2026-01-19. Review status: criteria provided, single submitter. Criteria: Invitae Variant Classification Sherloc (09022015). Collection method: clinical testing. Allele origin: germline.

CeGaT Center for Human Genetics Tuebingen
Classification: Likely benign. Last evaluated: 2025-06-01. Review status: criteria provided, single submitter. Criteria: CeGaT Center For Human Genetics Tuebingen Variant Classification Criteria Version 2. Collection method: clinical testing. Allele origin: germline. Affected: yes. Observed: 4 variant alleles.
Comment: EIF2B3: BP4, BP7

Blueprint Genetics
Classification: Likely benign. Last evaluated: 2024-10-16. Review status: criteria provided, single submitter. Criteria: ACMG Guidelines, 2015. Collection method: clinical testing. Allele origin: germline.